The following is an entry in ClinVar:

NM_001200.4(BMP2):c.247T>C (p.Tyr83His)

Gene: BMP2 (bone morphogenetic protein 2; plus strand). Cytogenetic location: 20p12.3.
Variant type: single nucleotide variant.
Coding change: c.247T>C on transcript NM_001200.4 (MANE Select); coding-DNA position 247, T replaced by C.
Protein change: p.Tyr83His; replaces tyrosine 83 with histidine.
Molecular consequence: missense variant.
Genome position (GRCh38, 1-based): chr20:6,770,373, T>C. VCF-style: chr20-6770373-T-C. GRCh37 (hg19) VCF-style: chr20-6751020-T-C.
Other names: short protein forms Y83H.
Identifiers: ClinVar variation 2981837 (VCV002981837.3), dbSNP rs2514530508, ClinGen allele CA408260536.

ClinVar aggregate classification (germline): Uncertain significance (1 of 4 stars; one submission).

Submission:

Labcorp Genetics (formerly Invitae), Labcorp
Classification: Uncertain significance. Last evaluated: 2022-11-02. Review status: criteria provided, single submitter. Criteria: Invitae Variant Classification Sherloc (09022015). Collection method: clinical testing. Allele origin: germline.
Comment: In summary, the available evidence is currently insufficient to determine the role of this variant in disease. Therefore, it has been classified as a Variant of Uncertain Significance. Algorithms developed to predict the effect of missense changes on protein structure and function are either unavailable or do not agree on the potential impact of this missense change (SIFT: "Not Available"; PolyPhen-2: "Probably Damaging"; Align-GVGD: "Not Available"). This variant has not been reported in the literature in individuals affected with BMP2-related conditions. This variant is not present in population databases (gnomAD no frequency). This sequence change replaces tyrosine, which is neutral and polar, with histidine, which is basic and polar, at codon 83 of the BMP2 protein (p.Tyr83His).